The following is an entry in ClinVar:

NM_002235.5(KCNA6):c.1051C>T (p.Arg351Cys)

Genes: KCNA6 (potassium voltage-gated channel subfamily A member 6; plus strand), KCNA6-AS1 (KCNA6 antisense RNA 1; minus strand). Cytogenetic location: 12p13.32.
Variant type: single nucleotide variant.
Coding change: c.1051C>T on transcript NM_002235.5 (MANE Select); coding-DNA position 1051, C replaced by T.
Protein change: p.Arg351Cys; replaces arginine 351 with cysteine.
Molecular consequence: missense variant. On other transcripts: non-coding transcript variant (3).
Genome position (GRCh38, 1-based): chr12:4,811,092, C>T. VCF-style: chr12-4811092-C-T. GRCh37 (hg19) VCF-style: chr12-4920258-C-T.
Other names: short protein forms R351C.
Identifiers: ClinVar variation 4527713 (VCV004527713.2).
Genomic context (GRCh38, chr12:4,811,092, plus strand): 5'-AATGGGCAGCAGGCCATGTCCCTGGCCATCCTCCGAGTCATCCGCCTGGTCCGGGTGTTC[C>T]GCATCTTCAAGCTCTCCCGCCACTCCAAGGGGCTGCAGATCCTGGGCAAGACCTTGCAGG-3'
Protein context (NP_002226.1, residues 341-361): LRVIRLVRVF[Arg351Cys]IFKLSRHSKG

ClinVar aggregate classification (germline): Likely pathogenic (1 of 4 stars; one submission).

Submission:

GeneDx
Classification: Likely pathogenic. Last evaluated: 2025-12-16. Review status: criteria provided, single submitter. Criteria: GeneDx Variant Classification Process June 2021. Collection method: clinical testing. Allele origin: germline.
Comment: Not observed at significant frequency in large population cohorts (gnomAD); In silico analysis supports that this missense variant has a deleterious effect on protein structure/function; Has not been previously published as pathogenic or benign to our knowledge